The following is an entry in ClinVar:

NM_000088.4(COL1A1):c.4081G>T (p.Glu1361Ter)

Gene: COL1A1 (collagen type I alpha 1 chain; minus strand). Cytogenetic location: 17q21.33.
Variant type: single nucleotide variant.
Coding change: c.4081G>T on transcript NM_000088.4 (MANE Select); coding-DNA position 4081, G replaced by T.
Protein change: p.Glu1361Ter; replaces glutamic acid 1361 with a stop codon.
Molecular consequence: nonsense.
Genome position (GRCh38, 1-based): chr17:50,185,945, C>A on the plus strand (G>T on the coding strand, the complement: COL1A1 is on the minus strand). VCF-style: chr17-50185945-C-A. GRCh37 (hg19) VCF-style: chr17-48263306-C-A.
Other names: short protein forms E1361*.
Identifiers: ClinVar variation 660920 (VCV000660920.9), dbSNP rs141011435, ClinGen allele CA400192394.

ClinVar aggregate classification (germline): Pathogenic (1 of 4 stars; one submission).

Conditions:
Osteogenesis imperfecta type I (OI1). Also called: OI, TYPE I; OSTEOGENESIS IMPERFECTA TARDA; OSTEOGENESIS IMPERFECTA WITH BLUE SCLERAE; Osteogenesis imperfecta type 1; Lobstein disease; Classic Non-deforming Osteogenesis Imperfecta with Blue Sclerae. Identifiers: Orphanet 216796, Orphanet 666, MedGen C0023931, MONDO:0008146, OMIM 166200. Disease mechanism: loss of function.

Submission:

Labcorp Genetics (formerly Invitae), Labcorp
Classification: Pathogenic for Osteogenesis imperfecta type I. Last evaluated: 2025-07-02. Review status: criteria provided, single submitter. Criteria: Invitae Variant Classification Sherloc (09022015). Collection method: clinical testing. Allele origin: germline.
Comment: This sequence change creates a premature translational stop signal (p.Glu1361*) in the COL1A1 gene. It is expected to result in an absent or disrupted protein product. Loss-of-function variants in COL1A1 are known to be pathogenic (PMID: 7942841, 9295084, 9443882). This variant is not present in population databases (gnomAD no frequency). This variant has not been reported in the literature in individuals affected with COL1A1-related conditions. ClinVar contains an entry for this variant (Variation ID: 660920). For these reasons, this variant has been classified as Pathogenic.

Literature cited by the submitters: PubMed 7942841; PubMed 9295084; PubMed 9443882.